The following is an entry in ClinVar:

ClinVar aggregate classification (germline): Likely pathogenic. Review status: criteria provided, multiple submitters, no conflicts (2 of 4 stars). 2 submissions from 2 submitters: Likely pathogenic (2). Last evaluated 2025-04-28.

Conditions:
Acyl-CoA dehydrogenase 9 deficiency. Also called: Acyl-CoA dehydrogenase family, member 9, deficiency of; MITOCHONDRIAL COMPLEX I DEFICIENCY, NUCLEAR TYPE 20. Identifiers: Orphanet 99901, MedGen C4747517, MONDO:0012624, OMIM 611126.

Submissions (2):

Labcorp Genetics (formerly Invitae), Labcorp
Classification: Likely pathogenic. Last evaluated: 2025-04-28. Review status: criteria provided, single submitter. Criteria: Invitae Variant Classification Sherloc (09022015). Collection method: clinical testing. Allele origin: germline.
Comment: This variant results in the deletion of part of exon 14 (c.1359-45_1383del) of the ACAD9 gene. It is expected to disrupt RNA splicing. Variants that disrupt the donor or acceptor splice site typically lead to a loss of protein function (PMID: 16199547), and loss-of-function variants in ACAD9 are known to be pathogenic (PMID: 25721401). This variant is not present in population databases (gnomAD no frequency). This variant has not been reported in the literature in individuals affected with ACAD9-related conditions. ClinVar contains an entry for this variant (Variation ID: 952504). Algorithms developed to predict the effect of sequence changes on RNA splicing suggest that this variant may disrupt the consensus splice site. In summary, the currently available evidence indicates that the variant is pathogenic, but additional data are needed to prove that conclusively. Therefore, this variant has been classified as Likely Pathogenic.

Baylor Genetics
Classification: Likely pathogenic for Acyl-CoA dehydrogenase 9 deficiency. Last evaluated: 2024-03-28. Review status: criteria provided, single submitter. Criteria: ACMG Guidelines, 2015. Collection method: clinical testing. Allele origin: unknown.

Literature cited by the submitters: PubMed 16199547 (cited by Labcorp Genetics (formerly Invitae), Labcorp); PubMed 25721401 (cited by Labcorp Genetics (formerly Invitae), Labcorp).

NM_014049.5(ACAD9):c.1359-45_1383del

Gene: ACAD9 (acyl-CoA dehydrogenase family member 9; plus strand). Cytogenetic location: 3q21.3.
Variant type: Deletion.
Coding change: c.1359-45_1383del on transcript NM_014049.5 (MANE Select); 45 bases into the intron before coding-DNA position 1359 through coding-DNA position 1383, 70 bases deleted.
Molecular consequence: splice acceptor variant.
Genome position (GRCh38, 1-based): chr3:128,908,928-128,908,997, 70 bases deleted. GRCh37 (hg19): chr3:128,627,771-128,627,840.
Identifiers: ClinVar variation 952504 (VCV000952504.9), dbSNP rs1936007409, ClinGen allele CA1139658255.